The following is an entry in ClinVar:

NM_000179.3(MSH6):c.2648A>C (p.Lys883Thr)

Gene: MSH6 (mutS homolog 6; plus strand). Cytogenetic location: 2p16.3.
Variant type: single nucleotide variant.
Coding change: c.2648A>C on transcript NM_000179.3 (MANE Select); coding-DNA position 2648, A replaced by C.
Protein change: p.Lys883Thr; replaces lysine 883 with threonine.
Molecular consequence: missense variant.
Genome position (GRCh38, 1-based): chr2:47,800,631, A>C. VCF-style: chr2-47800631-A-C. GRCh37 (hg19) VCF-style: chr2-48027770-A-C.
Other names: c.2258A>C, p.Lys753Thr (NM_001281492.2); c.1742A>C, p.Lys581Thr (NM_001281493.2, NM_001281494.2); short protein forms K883T, K581T, K753T.
Identifiers: ClinVar variation 421056 (VCV000421056.26), dbSNP rs764816440, ClinGen allele CA069399.
Genomic context (GRCh38, chr2:47,800,631, plus strand): 5'-AAGGATTCAAAGTAATGTGTAAAATTATAGGGATCATGGAAGAAGTTGCTGATGGTTTTA[A>C]GTCTAAAATCCTTAAGCAGGTCATCTCTCTGCAGACAAAAAATCCTGAAGGTCGTTTTCC-3'
Protein context (NP_000170.1, residues 873-893): GIMEEVADGF[Lys883Thr]SKILKQVISL

ClinVar aggregate classification (germline): Conflicting classifications of pathogenicity. Review status: criteria provided, conflicting classifications (1 of 4 stars). 8 submissions from 8 submitters: Uncertain significance (7); Likely benign (1). Last evaluated 2026-09-26.

Conditions:
Hereditary nonpolyposis colorectal neoplasms. Identifiers: MedGen C0009405, MeSH D003123.
MSH6-related disorder. Also called: MSH6-Related disorders; MSH6-related condition.
Hereditary cancer-predisposing syndrome. Also called: Hereditary Cancer Syndrome; Tumor predisposition; Hereditary neoplastic syndrome; Neoplastic Syndromes, Hereditary. Identifiers: Orphanet 140162, MedGen C0027672, MeSH D009386, MONDO:0015356.
Lynch syndrome. Identifiers: Orphanet 144, MedGen C4552100, MONDO:0005835. Disease mechanism: loss of function.
Endometrial carcinoma. Also called: Endometrial carcinoma, somatic. Identifiers: MedGen C0476089, MONDO:0002447, OMIM 608089, HP:0012114.

Allele frequency attached by ClinVar (database versions not stated): TOPMed below 0.00001; ExAC 0.00001; gnomAD exomes 0.00001.
gnomAD v4.1: 7 of 1,614,196 alleles (0.00043%); highest among the groups gnomAD compares: Admixed American, 0.0067%; no homozygotes.

Submissions (8):

PreventionGenetics, part of Exact Sciences
Classification: Uncertain significance for MSH6-related condition. Last evaluated: 2026-09-26. Review status: criteria provided, single submitter. Criteria: ACMG Guidelines, 2015. Collection method: clinical testing. Allele origin: germline.
Comment: The MSH6 c.2648A>C variant is predicted to result in the amino acid substitution p.Lys883Thr. To our knowledge, this variant has not been reported in the literature. It is reported in 0.0065% of alleles in individuals of South Asian descent in gnomAD and has conflicting interpretations in ClinVar ranging from likely benign to uncertain (Variation ID: 421056). At this time, the clinical significance of this variant is uncertain due to the absence of conclusive functional and genetic evidence.

Labcorp Genetics (formerly Invitae), Labcorp
Classification: Likely benign for Hereditary nonpolyposis colorectal neoplasms. Last evaluated: 2025-07-02. Review status: criteria provided, single submitter. Criteria: Invitae Variant Classification Sherloc (09022015). Collection method: clinical testing. Allele origin: germline.

Ambry Genetics
Classification: Uncertain significance for Hereditary cancer-predisposing syndrome. Last evaluated: 2024-07-16. Review status: criteria provided, single submitter. Criteria: Ambry Variant Classification Scheme 2023. Collection method: clinical testing. Allele origin: germline.
Comment: The p.K883T variant (also known as c.2648A>C), located in coding exon 4 of the MSH6 gene, results from an A to C substitution at nucleotide position 2648. The lysine at codon 883 is replaced by threonine, an amino acid with similar properties. This amino acid position is not well conserved in available vertebrate species. In addition, this alteration is predicted to be tolerated by in silico analysis. Based on the available evidence, the clinical significance of this variant remains unclear.

All of Us Research Program, National Institutes of Health
Classification: Uncertain significance for Lynch syndrome. Last evaluated: 2024-03-05. Review status: criteria provided, single submitter. Criteria: ACMG Guidelines, 2015. Collection method: clinical testing. Allele origin: germline. Inheritance: Autosomal dominant inheritance. Observed: 3 variant alleles, 3 heterozygotes.
Comment: This missense variant replaces lysine with threonine at codon 883 of the MSH6 protein. Computational prediction suggests that this variant may not impact protein structure and function (internally defined REVEL score threshold <= 0.5, PMID: 27666373). To our knowledge, functional studies have not been reported for this variant. This variant has not been reported in individuals affected with MSH6-related disorders in the literature. This variant has been identified in 3/250492 chromosomes in the general population by the Genome Aggregation Database (gnomAD). The available evidence is insufficient to determine the role of this variant in disease conclusively. Therefore, this variant is classified as a Variant of Uncertain Significance.

This study involves interpretation of variants in research participants for the purpose of population health screening. Participant phenotype was not available at the time of variant classification. Additional details can be found in publication PMID: 35346344, PMCID: PMC8962531

Baylor Genetics
Classification: Uncertain significance for Endometrial carcinoma. Last evaluated: 2024-02-05. Review status: criteria provided, single submitter. Criteria: ACMG Guidelines, 2015. Collection method: clinical testing. Allele origin: unknown.

Color Diagnostics, LLC DBA Color Health
Classification: Uncertain significance for Hereditary cancer-predisposing syndrome. Last evaluated: 2023-09-13. Review status: criteria provided, single submitter. Criteria: ACMG Guidelines, 2015. Collection method: clinical testing. Allele origin: germline.
Comment: This missense variant replaces lysine with threonine at codon 883 of the MSH6 protein. Computational prediction suggests that this variant may not impact protein structure and function (internally defined REVEL score threshold <= 0.5, PMID: 27666373). To our knowledge, functional studies have not been reported for this variant. This variant has not been reported in individuals affected with MSH6-related disorders in the literature. This variant has been identified in 3/250492 chromosomes in the general population by the Genome Aggregation Database (gnomAD). The available evidence is insufficient to determine the role of this variant in disease conclusively. Therefore, this variant is classified as a Variant of Uncertain Significance.

Quest Diagnostics Nichols Institute San Juan Capistrano
Classification: Uncertain significance. Last evaluated: 2021-07-06. Review status: criteria provided, single submitter. Criteria: Quest Diagnostics criteria. Collection method: clinical testing. Allele origin: unknown.

GeneDx
Classification: Uncertain significance. Last evaluated: 2016-04-26. Review status: criteria provided, single submitter. Criteria: GeneDx Variant Classification (06012015). Collection method: clinical testing. Allele origin: germline. Affected: yes.
Comment: This variant is denoted MSH6 c.2648A>C at the cDNA level, p.Lys883Thr (K883T) at the protein level, and results in the change of a Lysine to a Threonine (AAG>ACG). This variant has not, to our knowledge, been published in the literature as pathogenic or benign. MSH6 Lys883Thr was not observed in approximately 6,500 individuals of European and African American ancestry in the NHLBI Exome Sequencing Project, suggesting it is not a common benign variant in these populations. Since Lysine and Threonine differ in some properties, this is considered a semi-conservative amino acid substitution. MSH6 Lys883Thr occurs at a position that is not conserved and is located in the MutS domain (Terui 2013). In silico analyses are inconsistent regarding the effect this variant may have on protein structure and function. Based on currently available evidence, it is unclear whether MSH6 Lys883Thr is a pathogenic or benign variant. We consider it to be a variant of uncertain significance.